The following is an entry in ClinVar:

NM_006182.4(DDR2):c.1627G>A (p.Val543Ile)

Gene: DDR2 (discoidin domain receptor tyrosine kinase 2; plus strand). Cytogenetic location: 1q23.3.
Variant type: single nucleotide variant.
Coding change: c.1627G>A on transcript NM_006182.4 (MANE Select); coding-DNA position 1627, G replaced by A.
Protein change: p.Val543Ile; replaces valine 543 with isoleucine.
Molecular consequence: missense variant.
Genome position (GRCh38, 1-based): chr1:162,772,146, G>A. VCF-style: chr1-162772146-G-A. GRCh37 (hg19) VCF-style: chr1-162741936-G-A.
Other names: c.1627G>A, p.Val543Ile (NM_001014796.3, NM_001354982.2, NM_001354983.2); short protein forms V543I.
Identifiers: ClinVar variation 4752982 (VCV004752982.1).

ClinVar aggregate classification (germline): Uncertain significance (1 of 4 stars; one submission).

gnomAD v4.1: 8 of 1,614,072 alleles (0.0005%); highest among the groups gnomAD compares: Middle Eastern, 0.016%; no homozygotes.

Submission:

Labcorp Genetics (formerly Invitae), Labcorp
Classification: Uncertain significance. Last evaluated: 2025-05-06. Review status: criteria provided, single submitter. Criteria: Invitae Variant Classification Sherloc (09022015). Collection method: clinical testing. Allele origin: germline.
Comment: This sequence change replaces valine, which is neutral and non-polar, with isoleucine, which is neutral and non-polar, at codon 543 of the DDR2 protein (p.Val543Ile). This variant is present in population databases (rs55973200, gnomAD 0.006%). This variant has not been reported in the literature in individuals affected with DDR2-related conditions. An algorithm developed to predict the effect of missense changes on protein structure and function outputs the following: PolyPhen-2: "Benign". The isoleucine amino acid residue is found in multiple mammalian species, which suggests that this missense change does not adversely affect protein function. In summary, the available evidence is currently insufficient to determine the role of this variant in disease. Therefore, it has been classified as a Variant of Uncertain Significance.